The following is an entry in ClinVar:

NM_002737.3(PRKCA):c.279C>T (p.Pro93=)

Gene: PRKCA (protein kinase C alpha; plus strand). Cytogenetic location: 17q24.2.
Variant type: single nucleotide variant.
Coding change: c.279C>T on transcript NM_002737.3 (MANE Select); coding-DNA position 279, C replaced by T.
Protein change: p.Pro93=; no amino-acid change (proline 93 retained).
Molecular consequence: synonymous variant.
Genome position (GRCh38, 1-based): chr17:66,496,274, C>T. VCF-style: chr17-66496274-C-T. GRCh37 (hg19) VCF-style: chr17-64492392-C-T.
Identifiers: ClinVar variation 3046735 (VCV003046735.2), dbSNP rs750302415, ClinGen allele CA8720652.
Genomic context (GRCh38, chr17:66,496,274, plus strand): 5'-GGTCCACAAGAGGTGCCATGAATTTGTTACTTTTTCTTGTCCGGGTGCGGATAAGGGACC[C>T]GACACTGATGTAAGTAGTCCTGAAATCATGATTTGATGTCAATGTGGATTTCTGAGCTTT-3'
Protein context (NP_002728.2, residues 83-103): TFSCPGADKG[Pro93=]DTDDPRSKHK

ClinVar aggregate classification (germline): Likely benign (0 of 4 stars; one submission).

Conditions:
PRKCA-related disorder. Also called: PRKCA-related condition.

Allele frequency attached by ClinVar (database versions not stated): gnomAD exomes 0.00001; ExAC 0.00002.
gnomAD v4.1: 9 of 1,612,836 alleles (0.00056%); highest among the groups gnomAD compares: South Asian, 0.0033%; no homozygotes.

Submission:

PreventionGenetics, part of Exact Sciences
Classification: Likely benign for PRKCA-related condition. Last evaluated: 2019-03-25. Review status: no assertion criteria provided. Collection method: clinical testing. Allele origin: germline.
Comment: This variant is classified as likely benign based on ACMG/AMP sequence variant interpretation guidelines (Richards et al. 2015 PMID: 25741868, with internal and published modifications).